The following is an entry in ClinVar:

ClinVar aggregate classification (germline): Uncertain significance. Review status: criteria provided, multiple submitters, no conflicts (2 of 4 stars). 3 submissions from 3 submitters: Uncertain significance (3). Last evaluated 2025-08-29.

Conditions:
Inborn genetic diseases. Identifiers: MedGen C0950123, MeSH D030342.

Allele frequency attached by ClinVar (database versions not stated): gnomAD 0.00006; gnomAD exomes 0.00006 and 0.00007; TOPMed 0.00008; ExAC 0.00009.
gnomAD v4.1: 95 of 1,610,998 alleles (0.0059%); highest among the groups gnomAD compares: Non-Finnish European, 0.0062%; no homozygotes.

Submissions (3):

Ambry Genetics
Classification: Uncertain significance for Inborn genetic diseases. Last evaluated: 2025-08-29. Review status: criteria provided, single submitter. Criteria: Ambry Variant Classification Scheme 2023. Collection method: clinical testing. Allele origin: germline.

Labcorp Genetics (formerly Invitae), Labcorp
Classification: Uncertain significance. Last evaluated: 2023-11-01. Review status: criteria provided, single submitter. Criteria: Invitae Variant Classification Sherloc (09022015). Collection method: clinical testing. Allele origin: germline.
Comment: This sequence change replaces histidine, which is basic and polar, with arginine, which is basic and polar, at codon 520 of the CHUK protein (p.His520Arg). This variant is present in population databases (rs777436676, gnomAD 0.06%). This variant has not been reported in the literature in individuals affected with CHUK-related conditions. ClinVar contains an entry for this variant (Variation ID: 1364919). An algorithm developed to predict the effect of missense changes on protein structure and function (PolyPhen-2) suggests that this variant is likely to be tolerated. In summary, the available evidence is currently insufficient to determine the role of this variant in disease. Therefore, it has been classified as a Variant of Uncertain Significance.

Breakthrough Genomics
Classification: Uncertain significance. Review status: criteria provided, single submitter. Criteria: ACMG Guidelines, 2015. Collection method: not provided. Allele origin: germline. Inheritance: Autosomal recessive inheritance. Affected: yes.

NM_001278.5(CHUK):c.1559A>G (p.His520Arg)

Gene: CHUK (component of inhibitor of nuclear factor kappa B kinase complex; minus strand). Cytogenetic location: 10q24.31.
Variant type: single nucleotide variant.
Coding change: c.1559A>G on transcript NM_001278.5 (MANE Select); coding-DNA position 1559, A replaced by G.
Protein change: p.His520Arg; replaces histidine 520 with arginine.
Molecular consequence: missense variant.
Genome position (GRCh38, 1-based): chr10:100,202,098, T>C on the plus strand (A>G on the coding strand, the complement: CHUK is on the minus strand). VCF-style: chr10-100202098-T-C. GRCh37 (hg19) VCF-style: chr10-101961855-T-C.
Other names: c.1559A>G, p.His520Arg (NM_001320928.2); c.1559A>G (NM_001278.3); short protein forms H520R.
Identifiers: ClinVar variation 1364919 (VCV001364919.9), dbSNP rs777436676, ClinGen allele CA5646425.